The following is an entry in ClinVar:

ClinVar aggregate classification (germline): Uncertain significance (1 of 4 stars; one submission).

Allele frequency attached by ClinVar (database versions not stated): gnomAD exomes below 0.00001.
gnomAD v4.1: 1 of 1,609,728 alleles (0.000062%); highest among the groups gnomAD compares: Non-Finnish European, 0.000085%; no homozygotes.

Submission:

Labcorp Genetics (formerly Invitae), Labcorp
Classification: Uncertain significance. Last evaluated: 2022-06-20. Review status: criteria provided, single submitter. Criteria: Invitae Variant Classification Sherloc (09022015). Collection method: clinical testing. Allele origin: germline.
Comment: Algorithms developed to predict the effect of missense changes on protein structure and function are either unavailable or do not agree on the potential impact of this missense change (SIFT: "Deleterious"; PolyPhen-2: "Possibly Damaging"; Align-GVGD: "Class C0"). This variant has not been reported in the literature in individuals affected with SLC18A3-related conditions. This variant is not present in population databases (gnomAD no frequency). This sequence change replaces arginine, which is basic and polar, with histidine, which is basic and polar, at codon 284 of the SLC18A3 protein (p.Arg284His). In summary, the available evidence is currently insufficient to determine the role of this variant in disease. Therefore, it has been classified as a Variant of Uncertain Significance.

NM_003055.3(SLC18A3):c.851G>A (p.Arg284His)

Genes: CHAT (choline O-acetyltransferase; plus strand), SLC18A3 (solute carrier family 18 member A3; plus strand). Cytogenetic location: 10q11.23.
Variant type: single nucleotide variant.
Coding change: c.851G>A on transcript NM_003055.3 (MANE Select); coding-DNA position 851, G replaced by A.
Protein change: p.Arg284His; replaces arginine 284 with histidine.
Molecular consequence: missense variant. On other transcripts: intron variant (1).
Genome position (GRCh38, 1-based): chr10:49,611,591, G>A. VCF-style: chr10-49611591-G-A. GRCh37 (hg19) VCF-style: chr10-50819637-G-A.
Other names: c.-69+2392G>A (NM_020984.4); short protein forms R284H.
Identifiers: ClinVar variation 1348564 (VCV001348564.8), dbSNP rs2132687477, ClinGen allele CA376721034.